The following is an entry in ClinVar:

ClinVar aggregate classification (germline): Conflicting classifications of pathogenicity. Review status: criteria provided, conflicting classifications (1 of 4 stars). 2 submissions from 2 submitters: Likely pathogenic (1); Uncertain significance (1). Last evaluated 2025-02-18.

gnomAD v4.1: 37 of 1,612,242 alleles (0.0023%); highest among the groups gnomAD compares: Middle Eastern, 0.017%; no homozygotes.

Submissions (2):

Labcorp Genetics (formerly Invitae), Labcorp
Classification: Uncertain significance. Last evaluated: 2025-02-18. Review status: criteria provided, single submitter. Criteria: Invitae Variant Classification Sherloc (09022015). Collection method: clinical testing. Allele origin: germline.
Comment: This sequence change creates a premature translational stop signal (p.Arg190*) in the GFM2 gene. It is expected to result in an absent or disrupted protein product. However, the current clinical and genetic evidence is not sufficient to establish whether loss-of-function variants in GFM2 cause disease. This variant is present in population databases (no rsID available, gnomAD 0.003%). This variant has not been reported in the literature in individuals affected with GFM2-related conditions. ClinVar contains an entry for this variant (Variation ID: 1359247). Algorithms developed to predict the effect of sequence changes on RNA splicing suggest that this variant may disrupt the consensus splice site. In summary, the available evidence is currently insufficient to determine the role of this variant in disease. Therefore, it has been classified as a Variant of Uncertain Significance.

GeneDx
Classification: Likely pathogenic. Last evaluated: 2024-08-26. Review status: criteria provided, single submitter. Criteria: GeneDx Variant Classification Process June 2021. Collection method: clinical testing. Allele origin: germline. Affected: yes.
Comment: Nonsense variant predicted to result in protein truncation or nonsense mediated decay in a gene for which loss of function is a known mechanism of disease; Not observed at significant frequency in large population cohorts (gnomAD); Has not been previously published as pathogenic or benign to our knowledge

NM_032380.5(GFM2):c.568C>T (p.Arg190Ter)

Gene: GFM2 (GTP dependent ribosome recycling factor mitochondrial 2; minus strand). Cytogenetic location: 5q13.3.
Variant type: single nucleotide variant.
Coding change: c.568C>T on transcript NM_032380.5 (MANE Select); coding-DNA position 568, C replaced by T.
Protein change: p.Arg190Ter; replaces arginine 190 with a stop codon.
Molecular consequence: nonsense. On other transcripts: non-coding transcript variant (1).
Genome position (GRCh38, 1-based): chr5:74,747,732, G>A on the plus strand (C>T on the coding strand, the complement: GFM2 is on the minus strand). VCF-style: chr5-74747732-G-A. GRCh37 (hg19) VCF-style: chr5-74043557-G-A.
Other names: c.664C>T, p.Arg222Ter (NM_001281302.2); c.568C>T, p.Arg190Ter (NM_170681.3, NM_170691.3); c.568C>T (NM_032380.3); short protein forms R190*, R222*.
Identifiers: ClinVar variation 1359247 (VCV001359247.7), dbSNP rs924438731, ClinGen allele CA120923605.